The following is an entry in ClinVar:

ClinVar aggregate classification (germline): Uncertain significance (1 of 4 stars; one submission).

Conditions:
Spastic paraplegia. Identifiers: MedGen C0037772, HP:0001258.

Submission:

Labcorp Genetics (formerly Invitae), Labcorp
Classification: Uncertain significance for Spastic paraplegia. Last evaluated: 2021-12-16. Review status: criteria provided, single submitter. Criteria: Invitae Variant Classification Sherloc (09022015). Collection method: clinical testing. Allele origin: germline.
Comment: This variant has not been reported in the literature in individuals affected with CYP2U1-related conditions. This variant is not present in population databases (gnomAD no frequency). This sequence change replaces cysteine, which is neutral and slightly polar, with glycine, which is neutral and non-polar, at codon 262 of the CYP2U1 protein (p.Cys262Gly). Advanced modeling of protein sequence and biophysical properties (such as structural, functional, and spatial information, amino acid conservation, physicochemical variation, residue mobility, and thermodynamic stability) performed at Invitae indicates that this missense variant is not expected to disrupt CYP2U1 protein function. In summary, the available evidence is currently insufficient to determine the role of this variant in disease. Therefore, it has been classified as a Variant of Uncertain Significance. This variant disrupts the p.Cys262 amino acid residue in CYP2U1. Other variant(s) that disrupt this residue have been determined to be pathogenic (PMID: 23176821, 29034544). This suggests that this residue is clinically significant, and that variants that disrupt this residue are likely to be disease-causing.

Literature cited by the submitters: PubMed 23176821; PubMed 29034544.

NM_183075.3(CYP2U1):c.784T>G (p.Cys262Gly)

Gene: CYP2U1 (cytochrome P450 family 2 subfamily U member 1; plus strand). Cytogenetic location: 4q25.
Variant type: single nucleotide variant.
Coding change: c.784T>G on transcript NM_183075.3 (MANE Select); coding-DNA position 784, T replaced by G.
Protein change: p.Cys262Gly; replaces cysteine 262 with glycine.
Molecular consequence: missense variant.
Genome position (GRCh38, 1-based): chr4:107,945,263, T>G. VCF-style: chr4-107945263-T-G. GRCh37 (hg19) VCF-style: chr4-108866419-T-G.
Other names: short protein forms C262G.
Identifiers: ClinVar variation 2018451 (VCV002018451.4), dbSNP rs397514515, ClinGen allele CA357837005.